The following is an entry in ClinVar:

NM_001122955.4(BSCL2):c.487-34A>T

Genes: BSCL2 (BSCL2 lipid droplet biogenesis associated, seipin; minus strand), HNRNPUL2-BSCL2 (HNRNPUL2-BSCL2 readthrough (NMD candidate); minus strand). Cytogenetic location: 11q12.3.
Variant type: single nucleotide variant.
Coding change: c.487-34A>T on transcript NM_001122955.4 (MANE Select); 34 bases into the intron before coding-DNA position 487, A replaced by T.
Molecular consequence: intron variant.
Genome position (GRCh38, 1-based): chr11:62,694,745, T>A on the plus strand (A>T on the coding strand, the complement: BSCL2 is on the minus strand). VCF-style: chr11-62694745-T-A. GRCh37 (hg19) VCF-style: chr11-62462217-T-A.
Other names: c.295-34A>T (NM_001130702.2, NM_032667.6); c.487-34A>T (NM_001386028.1, NM_001386027.1).
Identifiers: ClinVar variation 674182 (VCV000674182.2), dbSNP rs181164682, ClinGen allele CA6053553.

ClinVar aggregate classification (germline): Likely benign. Review status: criteria provided, multiple submitters, no conflicts (2 of 4 stars). 2 submissions from 2 submitters: Likely benign (2). Last evaluated 2018-06-19.

Allele frequency attached by ClinVar (database versions not stated): 1000 Genomes Project 0.00319; 1000 Genomes Project 30x 0.00390; ESP Exome Variant Server 0.00515; TOPMed 0.00934; gnomAD exomes 0.00979; ExAC 0.01062; gnomAD 0.01069 and 0.01099.
gnomAD v4.1: 25,712 of 1,606,650 alleles (1.6%); highest among the groups gnomAD compares: Non-Finnish European, 2%; 306 homozygotes.

Submissions (2):

GeneDx
Classification: Likely benign. Last evaluated: 2018-06-19. Review status: criteria provided, single submitter. Criteria: GeneDx Variant Classification (06012015). Collection method: clinical testing. Allele origin: germline. Affected: yes.
Comment: This variant is considered likely benign or benign based on one or more of the following criteria: it is a conservative change, it occurs at a poorly conserved position in the protein, it is predicted to be benign by multiple in silico algorithms, and/or has population frequency not consistent with disease.

Breakthrough Genomics
Classification: Likely benign. Review status: criteria provided, single submitter. Criteria: ACMG Guidelines, 2015. Collection method: not provided. Allele origin: germline. Inheritance: Autosomal recessive inheritance. Affected: yes.